The following is an entry in ClinVar:

ClinVar aggregate classification (germline): Uncertain significance (1 of 4 stars; one submission).

Allele frequency attached by ClinVar (database versions not stated): TOPMed below 0.00001.

Submission:

Labcorp Genetics (formerly Invitae), Labcorp
Classification: Uncertain significance. Last evaluated: 2022-09-12. Review status: criteria provided, single submitter. Criteria: Invitae Variant Classification Sherloc (09022015). Collection method: clinical testing. Allele origin: germline.
Comment: This variant has not been reported in the literature in individuals affected with CLCC1-related conditions. In summary, the available evidence is currently insufficient to determine the role of this variant in disease. Therefore, it has been classified as a Variant of Uncertain Significance. Algorithms developed to predict the effect of sequence changes on RNA splicing suggest that this variant may disrupt the consensus splice site. ClinVar contains an entry for this variant (Variation ID: 1432407). This variant is not present in population databases (gnomAD no frequency). This sequence change affects a donor splice site in intron 6 of the CLCC1 gene. It is expected to disrupt RNA splicing. Variants that disrupt the donor or acceptor splice site typically lead to a loss of protein function (PMID: 16199547), however the current clinical and genetic evidence is not sufficient to establish whether loss-of-function variants in CLCC1 cause disease.

Literature cited by the submitters: PubMed 16199547.

NM_001377458.1(CLCC1):c.702+2T>C

Gene: CLCC1 (chloride channel CLIC like 1; minus strand). Cytogenetic location: 1p13.3.
Variant type: single nucleotide variant.
Coding change: c.702+2T>C on transcript NM_001377458.1 (MANE Select); the canonical splice donor site of the intron after coding-DNA position 702, T replaced by C.
Molecular consequence: splice donor variant. On other transcripts: intron variant (2).
Genome position (GRCh38, 1-based): chr1:108,943,473, A>G on the plus strand (T>C on the coding strand, the complement: CLCC1 is on the minus strand). VCF-style: chr1-108943473-A-G. GRCh37 (hg19) VCF-style: chr1-109486095-A-G.
Other names: c.702+2T>C (NM_001377464.1, NM_001377462.1, NM_001377467.1 and 8 more transcripts); c.600+2T>C (NM_001377469.1); c.552+2T>C (NM_015127.5); c.411+2T>C (NM_001377470.1); c.340-1975T>C (NM_001278202.2); c.340-3691T>C (NM_001278203.1).
Identifiers: ClinVar variation 1432407 (VCV001432407.8), dbSNP rs1654116019, ClinGen allele CA341462086.